The following is an entry in ClinVar:

NM_001330260.2(SCN8A):c.497C>T (p.Thr166Ile)

Gene: SCN8A (sodium voltage-gated channel alpha subunit 8; plus strand). Cytogenetic location: 12q13.13.
Variant type: single nucleotide variant.
Coding change: c.497C>T on transcript NM_001330260.2 (MANE Select); coding-DNA position 497, C replaced by T.
Protein change: p.Thr166Ile; replaces threonine 166 with isoleucine.
Molecular consequence: missense variant.
Genome position (GRCh38, 1-based): chr12:51,687,102, C>T. VCF-style: chr12-51687102-C-T. GRCh37 (hg19) VCF-style: chr12-52080886-C-T.
Other names: c.497C>T, p.Thr166Ile (NM_001177984.3, NM_001369788.1, NM_014191.4); short protein forms T166I.
Identifiers: ClinVar variation 378553 (VCV000378553.5), dbSNP rs1057520361, ClinGen allele CA16606307.

ClinVar aggregate classification (germline): Conflicting classifications of pathogenicity. Review status: criteria provided, conflicting classifications (1 of 4 stars). 2 submissions from 2 submitters: Likely pathogenic (1); Uncertain significance (1). Last evaluated 2023-10-10.

Conditions:
Early-infantile DEE. Also called: Ohtahara syndrome; Early infantile epileptic encephalopathy with suppression bursts; Early infantile epileptic encephalopathy. Identifiers: Orphanet 1934, MedGen C0393706, MONDO:0800491.

Submissions (2):

Labcorp Genetics (formerly Invitae), Labcorp
Classification: Uncertain significance for Early-infantile DEE. Last evaluated: 2023-10-10. Review status: criteria provided, single submitter. Criteria: Invitae Variant Classification Sherloc (09022015). Collection method: clinical testing. Allele origin: germline.
Comment: This sequence change replaces threonine, which is neutral and polar, with isoleucine, which is neutral and non-polar, at codon 166 of the SCN8A protein (p.Thr166Ile). This variant is not present in population databases (gnomAD no frequency). This variant has not been reported in the literature in individuals affected with SCN8A-related conditions. ClinVar contains an entry for this variant (Variation ID: 378553). Advanced modeling of protein sequence and biophysical properties (such as structural, functional, and spatial information, amino acid conservation, physicochemical variation, residue mobility, and thermodynamic stability) performed at Invitae indicates that this missense variant is expected to disrupt SCN8A protein function. In summary, the available evidence is currently insufficient to determine the role of this variant in disease. Therefore, it has been classified as a Variant of Uncertain Significance.

GeneDx
Classification: Likely pathogenic. Last evaluated: 2016-12-05. Review status: criteria provided, single submitter. Criteria: GeneDx Variant Classification (06012015). Collection method: clinical testing. Allele origin: germline. Affected: yes.
Comment: A novel T166I variant that is likely pathogenic has been identified in the SCN8A gene. The T166I variant has not been published as a pathogenic variant, nor has it been reported as a benign variant to our knowledge. The T166I variant is not observed in large population cohorts (Lek et al., 2016; 1000 Genomes Consortium et al., 2015; Exome Variant Server). The T166I variant is a non-conservative amino acid substitution, which is likely to impact secondary protein structure as these residues differ in polarity, charge, size and/or other properties. This substitution alters a conserved position predicted to be within the transmembrane segment S2 of the first homologous domain. In silico analysis predicts this variant is probably damaging to the protein structure/function. However, no missense variants in nearby residues have been reported in the Human Gene Mutation Database in association with SCN8A-related disorders (Stenson et al., 2014). Therefore, this variant is likely pathogenic; however, the possibility that it is benign cannot be excluded.